The following is an entry in ClinVar:

NM_000059.4(BRCA2):c.6378C>T (p.Cys2126=)

Gene: BRCA2 (BRCA2 DNA repair associated; plus strand). Cytogenetic location: 13q13.1.
Variant type: single nucleotide variant.
Coding change: c.6378C>T on transcript NM_000059.4 (MANE Select); coding-DNA position 6378, C replaced by T.
Protein change: p.Cys2126=; no amino-acid change (cysteine 2126 retained).
Molecular consequence: synonymous variant. On other transcripts: non-coding transcript variant (1), intron variant (2).
Genome position (GRCh38, 1-based): chr13:32,340,733, C>T. VCF-style: chr13-32340733-C-T. GRCh37 (hg19) VCF-style: chr13-32914870-C-T.
Other names: c.6378C>T, p.Cys2126= (NM_001406719.1, NM_001406720.1); c.1910-3825C>T (NM_001406721.1); c.425-3825C>T (NM_001406722.1).
Identifiers: ClinVar variation 3075634 (VCV003075634.1), dbSNP rs2137526874, ClinGen allele CA483438837.

ClinVar aggregate classification (germline): Likely benign (1 of 4 stars; one submission).

Conditions:
Breast-ovarian cancer, familial, susceptibility to, 2 (BROVCA2). Also called: BRCA2 Hereditary Breast and Ovarian Cancer. Identifiers: Orphanet 145, MedGen C2675520, MONDO:0012933, OMIM 612555. Disease mechanism: loss of function.

Allele frequency attached by ClinVar (database versions not stated): gnomAD exomes below 0.00001.
gnomAD v4.1: 1 of 1,606,884 alleles (0.000062%); highest among the groups gnomAD compares: East Asian, 0.0022%; no homozygotes.

Submission:

All of Us Research Program, National Institutes of Health
Classification: Likely benign for Breast-ovarian cancer, familial, susceptibility to, 2. Last evaluated: 2023-02-24. Review status: criteria provided, single submitter. Criteria: ACMG Guidelines, 2015. Collection method: clinical testing. Allele origin: germline. Inheritance: Autosomal dominant inheritance. Observed: 1 variant allele, 1 heterozygote.
Comment: This study involves interpretation of variants in research participants for the purpose of population health screening. Participant phenotype was not available at the time of variant classification. Additional details can be found in publication PMID: 35346344, PMCID: PMC8962531